The following is an entry in ClinVar:

NM_004006.3(DMD):c.3964C>G (p.Gln1322Glu)

Gene: DMD (dystrophin; minus strand). Cytogenetic location: Xp21.1.
Variant type: single nucleotide variant.
Coding change: c.3964C>G on transcript NM_004006.3 (MANE Select); coding-DNA position 3964, C replaced by G.
Protein change: p.Gln1322Glu; replaces glutamine 1322 with glutamic acid.
Molecular consequence: missense variant.
Genome position (GRCh38, 1-based): chrX:32,438,348, G>C on the plus strand (C>G on the coding strand, the complement: DMD is on the minus strand). VCF-style: chrX-32438348-G-C. GRCh37 (hg19) VCF-style: chrX-32456465-G-C.
Other names: c.3940C>G, p.Gln1314Glu (NM_000109.4); c.3952C>G, p.Gln1318Glu (NM_004009.3); c.3595C>G, p.Gln1199Glu (NM_004010.3); short protein forms Q1314E, Q1318E, Q1322E, Q1199E.
Identifiers: ClinVar variation 3675662 (VCV003675662.2).
Genomic context (GRCh38, chrX:32,438,348, plus strand): 5'-CATTGATTAGCTCATCCATGACTCCGCCATCTGTTAGGGTCTGTGCCAATATGCGAATCT[G>C]ATTTGGGTTATCCTCTGAATGTCGCATCAAATTTTCAAGTGACTGAAACACATTTGCAAT-3'
Protein context (NP_003997.2, residues 1312-1332): LMRHSEDNPN[Gln1322Glu]IRILAQTLTD

ClinVar aggregate classification (germline): Uncertain significance (1 of 4 stars; one submission).

Conditions:
Duchenne muscular dystrophy (DMD). Also called: MUSCULAR DYSTROPHY, PSEUDOHYPERTROPHIC PROGRESSIVE, DUCHENNE TYPE; Duchenne Muscular Dystrophy (DMD). Identifiers: Orphanet 98896, MedGen C0013264, MONDO:0010679, OMIM 310200.

Submission:

Labcorp Genetics (formerly Invitae), Labcorp
Classification: Uncertain significance for Duchenne muscular dystrophy. Last evaluated: 2024-05-31. Review status: criteria provided, single submitter. Criteria: Invitae Variant Classification Sherloc (09022015). Collection method: clinical testing. Allele origin: germline.
Comment: This sequence change replaces glutamine, which is neutral and polar, with glutamic acid, which is acidic and polar, at codon 1322 of the DMD protein (p.Gln1322Glu). This variant is not present in population databases (gnomAD no frequency). This variant has not been reported in the literature in individuals affected with DMD-related conditions. Advanced modeling of protein sequence and biophysical properties (such as structural, functional, and spatial information, amino acid conservation, physicochemical variation, residue mobility, and thermodynamic stability) performed at Invitae indicates that this missense variant is not expected to disrupt DMD protein function with a negative predictive value of 95%. In summary, the available evidence is currently insufficient to determine the role of this variant in disease. Therefore, it has been classified as a Variant of Uncertain Significance.